The following is an entry in ClinVar:

NM_003924.4(PHOX2B):c.512C>G (p.Ser171Cys)

Gene: PHOX2B (paired like homeobox 2B; minus strand). Cytogenetic location: 4p13.
Variant type: single nucleotide variant.
Coding change: c.512C>G on transcript NM_003924.4 (MANE Select); coding-DNA position 512, C replaced by G.
Protein change: p.Ser171Cys; replaces serine 171 with cysteine.
Molecular consequence: missense variant.
Genome position (GRCh38, 1-based): chr4:41,746,240, G>C on the plus strand (C>G on the coding strand, the complement: PHOX2B is on the minus strand). VCF-style: chr4-41746240-G-C. GRCh37 (hg19) VCF-style: chr4-41748257-G-C.
Other names: short protein forms S171C.
Identifiers: ClinVar variation 1396728 (VCV001396728.8), dbSNP rs1733896388, ClinGen allele CA356738424.

ClinVar aggregate classification (germline): Uncertain significance (1 of 4 stars; one submission).

Conditions:
Haddad syndrome (OHD). Also called: Ondine-Hirschsprung disease. Identifiers: Orphanet 99803, MedGen C1859049, MONDO:0020493.

Submission:

Labcorp Genetics (formerly Invitae), Labcorp
Classification: Uncertain significance for Haddad syndrome. Last evaluated: 2020-12-10. Review status: criteria provided, single submitter. Criteria: Invitae Variant Classification Sherloc (09022015). Collection method: clinical testing. Allele origin: germline.
Comment: This sequence change replaces serine with cysteine at codon 171 of the PHOX2B protein (p.Ser171Cys). The serine residue is moderately conserved and there is a moderate physicochemical difference between serine and cysteine. This variant is not present in population databases (ExAC no frequency). This variant has not been reported in the literature in individuals with PHOX2B-related conditions. Algorithms developed to predict the effect of missense changes on protein structure and function are either unavailable or do not agree on the potential impact of this missense change (SIFT: "Deleterious"; PolyPhen-2: "Not Available"; Align-GVGD: "Class C0"). In summary, the available evidence is currently insufficient to determine the role of this variant in disease. Therefore, it has been classified as a Variant of Uncertain Significance.